The following is an entry in ClinVar:

NM_000235.4(LIPA):c.521C>T (p.Ser174Phe)

Gene: LIPA (lipase A, lysosomal acid type; minus strand). Cytogenetic location: 10q23.31.
Variant type: single nucleotide variant.
Coding change: c.521C>T on transcript NM_000235.4 (MANE Select); coding-DNA position 521, C replaced by T.
Protein change: p.Ser174Phe; replaces serine 174 with phenylalanine.
Molecular consequence: missense variant.
Genome position (GRCh38, 1-based): chr10:89,226,912, G>A on the plus strand (C>T on the coding strand, the complement: LIPA is on the minus strand). VCF-style: chr10-89226912-G-A. GRCh37 (hg19) VCF-style: chr10-90986669-G-A.
Other names: c.521C>T, p.Ser174Phe (NM_001127605.3); c.173C>T, p.Ser58Phe (NM_001288979.2); short protein forms S174F, S58F.
Identifiers: ClinVar variation 934943 (VCV000934943.13), dbSNP rs1842777072, ClinGen allele CA377517487.

ClinVar aggregate classification (germline): Pathogenic/Likely pathogenic. Review status: criteria provided, multiple submitters, no conflicts (2 of 4 stars). 3 submissions from 3 submitters: Pathogenic (1); Likely pathogenic (1). 1 of the submissions does not count toward it. Last evaluated 2025-10-13.

Conditions:
Lysosomal acid lipase deficiency. Also called: Acid cholesteryl ester hydrolase deficiency, type 2. Identifiers: Orphanet 275761, MedGen C5574740, MONDO:0800449, MONDO:0010204.
Cholesteryl ester storage disease (CESD). Also called: Childhood/Adult-Onset LAL-D (Cholesterol Ester Storage Disease [CESD]). Identifiers: Orphanet 75234, MedGen C0008384, MONDO:0019149, OMIM 278000.
Wolman disease (WOLD). Also called: Wolman disease, CESD; LYSOSOMAL ACID LIPASE DEFICIENCY, ACUTE INFANTILE; LYSOSOMAL ACID LIPASE DEFICIENCY, COMPLETE; LIPA DEFICIENCY, COMPLETE; LAL DEFICIENCY, COMPLETE; CHOLESTEROL ESTER HYDROLASE DEFICIENCY, COMPLETE. Identifiers: Orphanet 75233, MedGen C0043208, MONDO:0019148, OMIM 620151.

gnomAD v4.1: 1 of 1,589,970 alleles (0.000063%); no homozygotes.

Submissions (3):

Women's Health and Genetics/Laboratory Corporation of America, LabCorp
Classification: Likely pathogenic for Cholesteryl ester storage disease. Last evaluated: 2025-10-13. Review status: criteria provided, single submitter. Criteria: LabCorp Variant Classification Summary - May 2015. Collection method: clinical testing. Allele origin: germline.
Comment: Variant summary: LIPA c.521C>T (p.Ser174Phe) results in a non-conservative amino acid change located in the alpha/beta hydrolase fold domain (IPR000073) of the encoded protein sequence. Algorithms developed to predict the effect of missense changes on protein structure and function all suggest that this variant is likely to be disruptive. The variant was absent in 251428 control chromosomes. c.521C>T has been observed in the presumed compound heterozygous state in at least 2 individuals affected with Wolman disease or LIPA-related disorders (e.g. Halabi_2022, Labcorp Genetics (formerly Invitae)). These data indicate that the variant may be associated with disease. To our knowledge, no experimental evidence demonstrating an impact on protein function has been reported. The following publication has been ascertained in the context of this evaluation (PMID: 35606784). ClinVar contains an entry for this variant (Variation ID: 934943). Based on the evidence outlined above, the variant was classified as likely pathogenic.

Labcorp Genetics (formerly Invitae), Labcorp
Classification: Pathogenic for Wolman disease. Last evaluated: 2025-09-28. Review status: criteria provided, single submitter. Criteria: Invitae Variant Classification Sherloc (09022015). Collection method: clinical testing. Allele origin: germline.
Comment: This sequence change replaces serine, which is neutral and polar, with phenylalanine, which is neutral and non-polar, at codon 174 of the LIPA protein (p.Ser174Phe). This variant is not present in population databases (gnomAD no frequency). This missense change has been observed in individual(s) with lysosomal acid lipase deficiency (PMID: 35606784; internal data). In at least one individual the data is consistent with being in trans (on the opposite chromosome) from a pathogenic variant. ClinVar contains an entry for this variant (Variation ID: 934943). Invitae Evidence Modeling of protein sequence and biophysical properties (such as structural, functional, and spatial information, amino acid conservation, physicochemical variation, residue mobility, and thermodynamic stability) indicates that this missense variant is expected to disrupt LIPA protein function with a positive predictive value of 95%. For these reasons, this variant has been classified as Pathogenic.

Natera, Inc.
Classification: Uncertain significance for Lysosomal acid lipase deficiency. Last evaluated: 2020-12-18. Review status: no assertion criteria provided. Collection method: clinical testing. Allele origin: germline. Not counted in ClinVar's aggregate classification.

Literature cited by the submitters: PubMed 35606784 (cited by Women's Health and Genetics/Laboratory Corporation of America, LabCorp and Labcorp Genetics (formerly Invitae), Labcorp).